The following is an entry in ClinVar:

ClinVar aggregate classification (germline): Likely benign (1 of 4 stars; one submission).

Allele frequency attached by ClinVar (database versions not stated): TOPMed below 0.00001.

Submission:

GeneDx
Classification: Likely benign. Last evaluated: 2018-02-13. Review status: criteria provided, single submitter. Criteria: GeneDx Variant Classification (06012015). Collection method: clinical testing. Allele origin: germline. Affected: yes.
Comment: This variant is considered likely benign or benign based on one or more of the following criteria: it is a conservative change, it occurs at a poorly conserved position in the protein, it is predicted to be benign by multiple in silico algorithms, and/or has population frequency not consistent with disease.

NM_001267550.2(TTN):c.55145T>G (p.Ile18382Ser)

Genes: TTN (titin; minus strand), TTN-AS1 (TTN antisense RNA 1; plus strand). Cytogenetic location: 2q31.2.
Variant type: single nucleotide variant.
Coding change: c.55145T>G on transcript NM_001267550.2 (MANE Select); coding-DNA position 55145, T replaced by G.
Protein change: p.Ile18382Ser; replaces isoleucine 18382 with serine.
Molecular consequence: missense variant.
Genome position (GRCh38, 1-based): chr2:178,602,126, A>C on the plus strand (T>G on the coding strand, the complement: TTN is on the minus strand). VCF-style: chr2-178602126-A-C. GRCh37 (hg19) VCF-style: chr2-179466853-A-C.
Other names: c.50222T>G, p.Ile16741Ser (NM_001256850.1); c.27950T>G, p.Ile9317Ser (NM_003319.4); c.47441T>G, p.Ile15814Ser (NM_133378.4); c.28325T>G, p.Ile9442Ser (NM_133432.3); c.28526T>G, p.Ile9509Ser (NM_133437.4); short protein forms I16741S, I18382S, I15814S, I9509S, I9317S, I9442S.
Identifiers: ClinVar variation 515644 (VCV000515644.1), dbSNP rs1553675010, ClinGen allele CA349544269.